The following is an entry in ClinVar:

ClinVar aggregate classification (germline): Conflicting classifications of pathogenicity. Review status: criteria provided, conflicting classifications (1 of 4 stars). 5 submissions from 5 submitters: Uncertain significance (2); Benign (1). 2 of the submissions do not count toward it. Last evaluated 2025-05-22.

Conditions:
Hereditary cancer-predisposing syndrome. Also called: Tumor predisposition; Hereditary Cancer Syndrome; Neoplastic Syndromes, Hereditary; Hereditary neoplastic syndrome. Identifiers: Orphanet 140162, MedGen C0027672, MeSH D009386, MONDO:0015356.
Hereditary breast ovarian cancer syndrome. Also called: Breast and ovarian cancer; Hereditary breast and ovarian cancer; Hereditary breast and ovarian cancer syndrome; BRCA1- and BRCA2-Associated Hereditary Breast and Ovarian Cancer; Hereditary breast and ovarian cancer syndrome (HBOC); Hereditary breast and/or ovarian cancer syndrome. Identifiers: Orphanet 145, MedGen C0677776, MeSH D061325, MONDO:0003582. Disease mechanism: loss of function.
Breast-ovarian cancer, familial, susceptibility to, 2 (BROVCA2). Also called: BRCA2 Hereditary Breast and Ovarian Cancer. Identifiers: Orphanet 145, MedGen C2675520, MONDO:0012933, OMIM 612555. Disease mechanism: loss of function.

Submissions (5):

Ambry Genetics
Classification: Benign for Hereditary cancer-predisposing syndrome. Last evaluated: 2025-05-22. Review status: criteria provided, single submitter. Criteria: Ambry Variant Classification Scheme 2023. Collection method: clinical testing. Allele origin: germline.

Labcorp Genetics (formerly Invitae), Labcorp
Classification: Uncertain significance for Hereditary breast ovarian cancer syndrome. Last evaluated: 2022-11-15. Review status: criteria provided, single submitter. Criteria: Invitae Variant Classification Sherloc (09022015). Collection method: clinical testing. Allele origin: germline.
Comment: Advanced modeling of protein sequence and biophysical properties (such as structural, functional, and spatial information, amino acid conservation, physicochemical variation, residue mobility, and thermodynamic stability) performed at Invitae indicates that this missense variant is not expected to disrupt BRCA2 protein function. In summary, the available evidence is currently insufficient to determine the role of this variant in disease. Therefore, it has been classified as a Variant of Uncertain Significance. ClinVar contains an entry for this variant (Variation ID: 91741). This variant has not been reported in the literature in individuals affected with BRCA2-related conditions. This variant is not present in population databases (gnomAD no frequency). This sequence change replaces isoleucine, which is neutral and non-polar, with methionine, which is neutral and non-polar, at codon 2986 of the BRCA2 protein (p.Ile2986Met).

Color Diagnostics, LLC DBA Color Health
Classification: Uncertain significance for Hereditary cancer-predisposing syndrome. Last evaluated: 2021-08-12. Review status: criteria provided, single submitter. Criteria: ACMG Guidelines, 2015. Collection method: clinical testing. Allele origin: germline.
Comment: This missense variant replaces isoleucine with methionine at codon 2986 of the BRCA2 protein. Computational prediction suggests that this variant may not impact protein structure and function (internally defined REVEL score threshold <= 0.5, PMID: 27666373). To our knowledge, functional studies have not been reported for this variant. This variant has been reported with a family history likelihood ratio for pathogenicity of 2.0513 (PMID: 31131967). This variant has not been identified in the general population by the Genome Aggregation Database (gnomAD). The available evidence is insufficient to determine the role of this variant in disease conclusively. Therefore, this variant is classified as a Variant of Uncertain Significance.

Counsyl
Classification: Uncertain significance for Breast-ovarian cancer, familial, susceptibility to, 2. Last evaluated: 2017-12-27. Review status: no assertion criteria provided. Collection method: clinical testing. Allele origin: unknown. Not counted in ClinVar's aggregate classification.

Sharing Clinical Reports Project (SCRP)
Classification: Uncertain significance for Breast-ovarian cancer, familial 2. Last evaluated: 2009-11-19. Review status: no assertion criteria provided. Collection method: clinical testing. Allele origin: germline. Not counted in ClinVar's aggregate classification.

NM_000059.4(BRCA2):c.8958A>G (p.Ile2986Met)

Gene: BRCA2 (BRCA2 DNA repair associated; plus strand). Cytogenetic location: 13q13.1.
Variant type: single nucleotide variant.
Coding change: c.8958A>G on transcript NM_000059.4 (MANE Select); coding-DNA position 8958, A replaced by G.
Protein change: p.Ile2986Met; replaces isoleucine 2986 with methionine.
Molecular consequence: missense variant.
Genome position (GRCh38, 1-based): chr13:32,379,754, A>G. VCF-style: chr13-32379754-A-G. GRCh37 (hg19) VCF-style: chr13-32953891-A-G.
Other names: I12986M; 9186A>G; short protein forms I2986M.
Identifiers: ClinVar variation 91741 (VCV000091741.17), dbSNP rs398122719, ClinGen allele CA025900.